The following is an entry in ClinVar:

NM_198428.3(BBS9):c.310del (p.Cys104fs)

Gene: BBS9 (Bardet-Biedl syndrome 9; plus strand). Cytogenetic location: 7p14.3.
Variant type: Deletion.
Coding change: c.310del on transcript NM_198428.3 (MANE Select); coding-DNA position 310, one base deleted (T; older notation c.310delT).
Protein change: p.Cys104fs; shifts the reading frame from cysteine 104.
Molecular consequence: frameshift variant. On other transcripts: non-coding transcript variant (3), intron variant (4).
Genome position (GRCh38, 1-based): chr7:33,155,684, T deleted; the last of 3 consecutive T bases (chr7:33,155,682-33,155,684); deleting any one gives the same sequence. VCF-style (leftmost placement, unchanged base first): chr7-33155681-CT-C. GRCh37 (hg19) VCF-style: chr7-33195293-CT-C.
Other names: c.310del (NM_198428.2); c.310del, p.Cys104fs (NM_001033604.2, NM_001033605.2, NM_001348036.1 and 5 more transcripts); c.37del, p.Cys13fs (NM_001348038.3, NM_001348039.3); c.175del, p.Cys59fs (NM_001348042.3); c.-39+2833del (NM_001348037.3, NM_001348045.3); c.-38-21794del (NM_001348046.3, NM_001348044.3); short protein forms C104fs, C13fs, C59fs.
Identifiers: ClinVar variation 462970 (VCV000462970.17), dbSNP rs747388658, ClinGen allele CA4213937.

ClinVar aggregate classification (germline): Pathogenic/Likely pathogenic. Review status: criteria provided, multiple submitters, no conflicts (2 of 4 stars). 5 submissions from 5 submitters: Pathogenic (3); Likely pathogenic (1). 1 of the submissions does not count toward it. Last evaluated 2025-06-01.

Conditions:
BBS9-related disorder. Also called: BBS9-related condition.
Bardet-Biedl syndrome (BBS). Identifiers: Orphanet 110, MedGen C0752166, MONDO:0015229.
Bardet-Biedl syndrome 9 (BBS9). Identifiers: Orphanet 110, MedGen C1859567, MONDO:0014437, OMIM 615986.

Submissions (5):

Labcorp Genetics (formerly Invitae), Labcorp
Classification: Pathogenic for Bardet-Biedl syndrome. Last evaluated: 2025-06-01. Review status: criteria provided, single submitter. Criteria: Invitae Variant Classification Sherloc (09022015). Collection method: clinical testing. Allele origin: germline.
Comment: This sequence change creates a premature translational stop signal (p.Cys104Valfs*20) in the BBS9 gene. It is expected to result in an absent or disrupted protein product. Loss-of-function variants in BBS9 are known to be pathogenic (PMID: 16380913, 20177705). This variant is present in population databases (rs777498165, gnomAD 0.05%). This premature translational stop signal has been observed in individual(s) with obesity (PMID: 29970488). ClinVar contains an entry for this variant (Variation ID: 462970). For these reasons, this variant has been classified as Pathogenic.

Fulgent Genetics
Classification: Pathogenic for Bardet-Biedl syndrome 9. Last evaluated: 2024-03-21. Review status: criteria provided, single submitter. Criteria: ACMG Guidelines, 2015. Collection method: clinical testing. Allele origin: germline.

Blueprint Genetics
Classification: Likely pathogenic for BBS9-related disorders. Last evaluated: 2022-12-01. Review status: criteria provided, single submitter. Criteria: ACMG Guidelines, 2015. Collection method: clinical testing. Allele origin: germline. Affected: yes. Observed: 2 variant alleles.

Mendelics
Classification: Pathogenic for Bardet-Biedl syndrome 9. Last evaluated: 2022-05-04. Review status: criteria provided, single submitter. Criteria: Mendelics Assertion Criteria 2019. Collection method: clinical testing. Allele origin: germline.

PreventionGenetics, part of Exact Sciences
Classification: Likely pathogenic for BBS9-related condition. Last evaluated: 2024-05-09. Review status: no assertion criteria provided. Collection method: clinical testing. Allele origin: germline. Not counted in ClinVar's aggregate classification.
Comment: The BBS9 c.310delT variant is predicted to result in a frameshift and premature protein termination (p.Cys104Valfs*20). This variant was also reported with another BBS9 frameshift variant in a patient with Bardet-Biedl syndrome (reported as c.175del, p.C59fs*20 using the alternative transcript NM_001348042 in K131 in Zacchia et al. 2021. PubMed ID: 33964006). This variant is reported in 0.051% of alleles in individuals of Latino descent in gnomAD. Frameshift variants in BBS9 are expected to be pathogenic for autosomal recessive Bardet-Biedl syndrome (Khan et al. 2016. PubMed ID: 26846096; Supplementary Table 3, Shaheen et al. 2016. PubMed ID: 27894351; OMIM: #615986). This variant is interpreted as likely pathogenic.

Literature cited by the submitters: PubMed 16380913 (cited by Labcorp Genetics (formerly Invitae), Labcorp); PubMed 20177705 (cited by Labcorp Genetics (formerly Invitae), Labcorp); PubMed 29970488 (cited by Labcorp Genetics (formerly Invitae), Labcorp).